The following is an entry in ClinVar:

NM_004369.4(COL6A3):c.458A>G (p.His153Arg)

Gene: COL6A3 (collagen type VI alpha 3 chain; minus strand). Cytogenetic location: 2q37.3.
Variant type: single nucleotide variant.
Coding change: c.458A>G on transcript NM_004369.4 (MANE Select); coding-DNA position 458, A replaced by G.
Protein change: p.His153Arg; replaces histidine 153 with arginine.
Molecular consequence: missense variant. On other transcripts: intron variant (4).
Genome position (GRCh38, 1-based): chr2:237,394,838, T>C on the plus strand (A>G on the coding strand, the complement: COL6A3 is on the minus strand). VCF-style: chr2-237394838-T-C. GRCh37 (hg19) VCF-style: chr2-238303481-T-C.
Other names: c.91+1889A>G (NM_057166.5, NM_057167.4, NM_057164.5 and 1 more transcripts); short protein forms H153R.
Identifiers: ClinVar variation 4800383 (VCV004800383.1).

ClinVar aggregate classification (germline): Uncertain significance (1 of 4 stars; one submission).

Conditions:
Bethlem myopathy 1A. Also called: MYOPATHY, BENIGN CONGENITAL, WITH CONTRACTURES; Bethlem myopathy 1; Bethlem Muscular Dystrophy. Identifiers: Orphanet 610, MedGen CN029274, MONDO:0024530, OMIM 158810.

gnomAD v4.1: 1 of 1,614,042 alleles (0.000062%); highest among the groups gnomAD compares: African/African-American, 0.0013%; no homozygotes.

Submission:

Labcorp Genetics (formerly Invitae), Labcorp
Classification: Uncertain significance for Bethlem myopathy 1A. Last evaluated: 2025-10-23. Review status: criteria provided, single submitter. Criteria: Invitae Variant Classification Sherloc (09022015). Collection method: clinical testing. Allele origin: germline.
Comment: This sequence change replaces histidine, which is basic and polar, with arginine, which is basic and polar, at codon 153 of the COL6A3 protein (p.His153Arg). This variant is not present in population databases (gnomAD no frequency). This variant has not been reported in the literature in individuals affected with COL6A3-related conditions. Invitae Evidence Modeling of protein sequence and biophysical properties (such as structural, functional, and spatial information, amino acid conservation, physicochemical variation, residue mobility, and thermodynamic stability) indicates that this missense variant is not expected to disrupt COL6A3 protein function with a negative predictive value of 95%. In summary, the available evidence is currently insufficient to determine the role of this variant in disease. Therefore, it has been classified as a Variant of Uncertain Significance.